The following is an entry in ClinVar:

ClinVar aggregate classification (germline): Conflicting classifications of pathogenicity. Review status: criteria provided, conflicting classifications (1 of 4 stars). 4 submissions from 4 submitters: Uncertain significance (2); Likely benign (2). Last evaluated 2025-11-19.

Conditions:
Primary ciliary dyskinesia. Also called: Ciliary dyskinesia. Identifiers: Orphanet 244, MedGen C0008780, MONDO:0016575, HP:0012265.

Allele frequency attached by ClinVar (database versions not stated): gnomAD exomes 0.00009 and 0.00026; ExAC 0.00033; 1000 Genomes Project 30x 0.00047; 1000 Genomes Project 0.00060; gnomAD 0.00100 and 0.00109; TOPMed 0.00121; ESP Exome Variant Server 0.00154.

Submissions (4):

Labcorp Genetics (formerly Invitae), Labcorp
Classification: Likely benign for Primary ciliary dyskinesia. Last evaluated: 2025-11-19. Review status: criteria provided, single submitter. Criteria: Invitae Variant Classification Sherloc (09022015). Collection method: clinical testing. Allele origin: germline.

Mayo Clinic Laboratories, Mayo Clinic
Classification: Likely benign. Last evaluated: 2025-09-30. Review status: criteria provided, single submitter. Criteria: ACMG Guidelines, 2015. Collection method: clinical testing. Allele origin: germline. Observed: 1 variant allele.
Comment: BS1, BP4_moderate

GeneDx
Classification: Uncertain significance. Last evaluated: 2024-01-24. Review status: criteria provided, single submitter. Criteria: GeneDx Variant Classification Process June 2021. Collection method: clinical testing. Allele origin: germline. Affected: yes.
Comment: Identified in a patient with primary ciliary dyskinesia in published literature, but clinical details were not provided (PMID: 34768622); In silico analysis supports that this missense variant has a deleterious effect on protein structure/function; This variant is associated with the following publications: (PMID: 34768622)

Ambry Genetics
Classification: Uncertain significance for Primary ciliary dyskinesia. Last evaluated: 2016-12-14. Review status: criteria provided, single submitter. Criteria: Ambry Variant Classification Scheme 2023. Collection method: clinical testing. Allele origin: germline.
Comment: The p.R486W variant (also known as c.1456C>T), located in coding exon 12 of the DNAAF3 gene, results from a C to T substitution at nucleotide position 1456. The arginine at codon 486 is replaced by tryptophan, an amino acid with dissimilar properties. In addition, this alteration is predicted to be tolerated by in silico analysis. Since supporting evidence is limited at this time, the clinical significance of this alteration remains unclear.

NM_001256715.2(DNAAF3):c.1255C>T (p.Arg419Trp)

Genes: DNAAF3 (dynein axonemal assembly factor 3; minus strand), DNAAF3-AS1 (DNAAF3 antisense RNA 1; plus strand). Cytogenetic location: 19q13.42.
Variant type: single nucleotide variant.
Coding change: c.1255C>T on transcript NM_001256715.2 (MANE Select); coding-DNA position 1255, C replaced by T.
Protein change: p.Arg419Trp; replaces arginine 419 with tryptophan.
Molecular consequence: missense variant.
Genome position (GRCh38, 1-based): chr19:55,159,433, G>A on the plus strand (C>T on the coding strand, the complement: DNAAF3 is on the minus strand). VCF-style: chr19-55159433-G-A. GRCh37 (hg19) VCF-style: chr19-55670801-G-A.
Other names: p.Arg486Trp; c.1456C>T, p.Arg486Trp (NM_001256714.1); c.1093C>T, p.Arg365Trp (NM_001256716.2); c.1396C>T, p.Arg466Trp (NM_178837.4); short protein forms R365W, R466W, R486W, R419W.
Identifiers: ClinVar variation 695337 (VCV000695337.14), dbSNP rs201929981, ClinGen allele CA9667815.